The following is an entry in ClinVar:

ClinVar aggregate classification (germline): Pathogenic (1 of 4 stars; one submission).

Conditions:
Primary ciliary dyskinesia. Also called: Ciliary dyskinesia. Identifiers: Orphanet 244, MedGen C0008780, MONDO:0016575, HP:0012265.

gnomAD v4.1: 1 of 1,210,944 alleles (0.000083%); highest among the groups gnomAD compares: Non-Finnish European, 0.00011%; no homozygotes.

Submission:

Labcorp Genetics (formerly Invitae), Labcorp
Classification: Pathogenic for Primary ciliary dyskinesia. Last evaluated: 2024-12-24. Review status: criteria provided, single submitter. Criteria: Invitae Variant Classification Sherloc (09022015). Collection method: clinical testing. Allele origin: germline.
Comment: This sequence change creates a premature translational stop signal (p.Arg1128*) in the RPGR (ORF15) gene. While this is not anticipated to result in nonsense mediated decay, it is expected to disrupt the last 25 amino acid(s) of the RPGR (ORF15) protein. This variant is not present in population databases (gnomAD no frequency). This premature translational stop signal has been observed in individual(s) with cone and cone-rod dystrophy (PMID: 35119454). This variant disrupts a region of the RPGR (ORF15) protein in which other variant(s) (p.Asn1132Thrfs*20) have been determined to be pathogenic (internal data). This suggests that this is a clinically significant region of the protein, and that variants that disrupt it are likely to be disease-causing. For these reasons, this variant has been classified as Pathogenic.

Literature cited by the submitters: PubMed 35119454.

NM_001034853.2(RPGR):c.3382C>T (p.Arg1128Ter)

Gene: RPGR (retinitis pigmentosa GTPase regulator; minus strand). Cytogenetic location: Xp11.4.
Variant type: single nucleotide variant.
Coding change: c.3382C>T on transcript NM_001034853.2 (MANE Select); coding-DNA position 3382, C replaced by T.
Protein change: p.Arg1128Ter; replaces arginine 1128 with a stop codon.
Molecular consequence: nonsense. On other transcripts: intron variant (8).
Genome position (GRCh38, 1-based): chrX:38,285,617, G>A on the plus strand (C>T on the coding strand, the complement: RPGR is on the minus strand). VCF-style: chrX-38285617-G-A. GRCh37 (hg19) VCF-style: chrX-38144870-G-A.
Other names: c.1569+5342C>T (NM_001367249.1, NM_001367250.1); c.1902+1477C>T (NM_001367245.1); c.1386+5342C>T (NM_001367251.1); c.1719+1477C>T (NM_001367246.1); c.1572+5342C>T (NM_001367247.1); c.1905+1477C>T (NM_000328.3); c.1602+5342C>T (NM_001367248.1); short protein forms R1128*.
Identifiers: ClinVar variation 3697946 (VCV003697946.2).
Genomic context (GRCh38, chrX:38,285,617, plus strand): 5'-AATGTGGTAATACATTATTCCAGAACTTTTTGGAACCTGATGGCCCGTTTTTTAAAAGTC[G>A]TTTTGACTGGACTGGCATTTTGGACCTCTGCTCTTTCCCATTTCCCTGTGTGTTAGTAAC-3'